The following is an entry in ClinVar:

NM_022772.4(EPS8L2):c.735G>A (p.Arg245=)

Gene: EPS8L2 (EPS8 signaling adaptor L2; plus strand). Cytogenetic location: 11p15.5.
Variant type: single nucleotide variant.
Coding change: c.735G>A on transcript NM_022772.4 (MANE Select); coding-DNA position 735, G replaced by A.
Protein change: p.Arg245=; no amino-acid change (arginine 245 retained).
Molecular consequence: synonymous variant.
Genome position (GRCh38, 1-based): chr11:721,319, G>A. VCF-style: chr11-721319-G-A. GRCh37 (hg19) VCF-style: chr11-721319-G-A.
Other names: c.735G>A (NM_022772.3).
Identifiers: ClinVar variation 1604478 (VCV001604478.9), dbSNP rs1012881286, ClinGen allele CA216939546.

ClinVar aggregate classification (germline): Likely benign. Review status: criteria provided, multiple submitters, no conflicts (2 of 4 stars). 2 submissions from 2 submitters: Likely benign (2). Last evaluated 2024-10-20.

Conditions:
EPS8L2-related disorder. Also called: EPS8L2-related condition.

Allele frequency attached by ClinVar (database versions not stated): gnomAD exomes 0.00002 and 0.00005; gnomAD 0.00003; TOPMed 0.00007.
gnomAD v4.1: 74 of 1,539,836 alleles (0.0048%); highest among the groups gnomAD compares: Admixed American, 0.012%; no homozygotes.

Submissions (2):

PreventionGenetics, part of Exact Sciences
Classification: Likely benign for EPS8L2-related condition. Last evaluated: 2024-10-20. Review status: criteria provided, single submitter. Criteria: ACMG Guidelines, 2015. Collection method: clinical testing. Allele origin: germline.
Comment: This variant is classified as likely benign based on ACMG/AMP sequence variant interpretation guidelines (Richards et al. 2015 PMID: 25741868, with internal and published modifications).

Labcorp Genetics (formerly Invitae), Labcorp
Classification: Likely benign. Last evaluated: 2024-05-22. Review status: criteria provided, single submitter. Criteria: Invitae Variant Classification Sherloc (09022015). Collection method: clinical testing. Allele origin: germline.